The following is an entry in ClinVar:

ClinVar aggregate classification (germline): Likely benign. Review status: criteria provided, multiple submitters, no conflicts (2 of 4 stars). 3 submissions from 3 submitters: Likely benign (3). Last evaluated 2025-12-10.

Allele frequency attached by ClinVar (database versions not stated): gnomAD 0.00007 and 0.00008; gnomAD exomes 0.00007 and 0.00008; TOPMed 0.00007; ExAC 0.00008; ESP Exome Variant Server 0.00016.
gnomAD v4.1: 120 of 1,579,560 alleles (0.0076%); highest among the groups gnomAD compares: Non-Finnish European, 0.01%; no homozygotes.

Submissions (3):

Labcorp Genetics (formerly Invitae), Labcorp
Classification: Likely benign. Last evaluated: 2025-12-10. Review status: criteria provided, single submitter. Criteria: Invitae Variant Classification Sherloc (09022015). Collection method: clinical testing. Allele origin: germline.

CeGaT Center for Human Genetics Tuebingen
Classification: Likely benign. Last evaluated: 2024-08-01. Review status: criteria provided, single submitter. Criteria: CeGaT Center For Human Genetics Tuebingen Variant Classification Criteria Version 2. Collection method: clinical testing. Allele origin: germline. Affected: yes. Observed: 1 variant allele.
Comment: CRB2: BP4, BP7

Blueprint Genetics
Classification: Likely benign. Last evaluated: 2024-06-10. Review status: criteria provided, single submitter. Criteria: ACMG Guidelines, 2015. Collection method: clinical testing. Allele origin: germline.

NM_173689.7(CRB2):c.555C>T (p.Leu185=)

Gene: CRB2 (crumbs cell polarity complex component 2; plus strand). Cytogenetic location: 9q33.3.
Variant type: single nucleotide variant.
Coding change: c.555C>T on transcript NM_173689.7 (MANE Select); coding-DNA position 555, C replaced by T.
Protein change: p.Leu185=; no amino-acid change (leucine 185 retained).
Molecular consequence: synonymous variant.
Genome position (GRCh38, 1-based): chr9:123,366,053, C>T. VCF-style: chr9-123366053-C-T. GRCh37 (hg19) VCF-style: chr9-126128332-C-T.
Identifiers: ClinVar variation 1629712 (VCV001629712.25), dbSNP rs370476464, ClinGen allele CA5231698.
Genomic context (GRCh38, chr9:123,366,053, plus strand): 5'-GGGCTCCTTCCGCTGTGTGTGCGCGCCAGGCTACGGGGGCACCCGTTGCCAGCTGGACCT[C>T]GACGAGTGCCAGAGCCAGCCGTGCGCACATGGGGGCACGTGCCACGACCTGGTCAACGGG-3'
Protein context (NP_775960.4, residues 175-195): GYGGTRCQLD[Leu185=]DECQSQPCAH